The following is an entry in ClinVar:

NM_006035.4(CDC42BPB):c.1122C>T (p.Asp374=)

Gene: CDC42BPB (CDC42 binding protein kinase beta; minus strand). Cytogenetic location: 14q32.32.
Variant type: single nucleotide variant.
Coding change: c.1122C>T on transcript NM_006035.4 (MANE Select); coding-DNA position 1122, C replaced by T.
Protein change: p.Asp374=; no amino-acid change (aspartic acid 374 retained).
Molecular consequence: synonymous variant.
Genome position (GRCh38, 1-based): chr14:102,980,791, G>A on the plus strand (C>T on the coding strand, the complement: CDC42BPB is on the minus strand). VCF-style: chr14-102980791-G-A. GRCh37 (hg19) VCF-style: chr14-103447128-G-A.
Other names: c.1122C>T, p.Asp374= (NM_001411054.1).
Identifiers: ClinVar variation 4534519 (VCV004534519.6).
Genomic context (GRCh38, chr14:102,980,791, plus strand): 5'-ACCCACAGCCAGCAACCCTGAGAACGGTGCTTTCACACTCACCGTGTTTCTCAGCACGTC[G>A]TCATCCACGTCGAAGTTGGATGTGTCAGAGGGACTGCTCACATCAGGAATATAAGGTGCT-3'
Protein context (NP_006026.3, residues 364-384): PSDTSNFDVD[Asp374=]DVLRNTEILP

ClinVar aggregate classification (germline): Likely benign (1 of 4 stars; one submission).

gnomAD v4.1: 77 of 1,613,980 alleles (0.0048%); highest among the groups gnomAD compares: Non-Finnish European, 0.0054%; no homozygotes.

Submission:

CeGaT Center for Human Genetics Tuebingen
Classification: Likely benign. Last evaluated: 2025-11-01. Review status: criteria provided, single submitter. Criteria: CeGaT Center For Human Genetics Tuebingen Variant Classification Criteria Version 2. Collection method: clinical testing. Allele origin: germline. Affected: yes. Observed: 1 variant allele.
Comment: CDC42BPB: BP4, BP7